The following is an entry in ClinVar:

NM_000435.3(NOTCH3):c.1192+15A>G

Gene: NOTCH3 (notch receptor 3; minus strand). Cytogenetic location: 19p13.12.
Variant type: single nucleotide variant.
Coding change: c.1192+15A>G on transcript NM_000435.3 (MANE Select); 15 bases into the intron after coding-DNA position 1192, A replaced by G.
Molecular consequence: intron variant.
Genome position (GRCh38, 1-based): chr19:15,189,258, T>C on the plus strand (A>G on the coding strand, the complement: NOTCH3 is on the minus strand). VCF-style: chr19-15189258-T-C. GRCh37 (hg19) VCF-style: chr19-15300069-T-C.
Identifiers: ClinVar variation 256118 (VCV000256118.35), dbSNP rs10423702, ClinGen allele CA9263695.

ClinVar aggregate classification (germline): Benign. Review status: criteria provided, multiple submitters, no conflicts (2 of 4 stars). 12 submissions from 11 submitters: Benign (9). 3 of the submissions do not count toward it. Last evaluated 2026-02-03.

Conditions:
Lateral meningocele syndrome (LMNS). Also called: NOTCH3-Related Lateral Meningocele Syndrome. Identifiers: Orphanet 2789, MedGen C1851710, MONDO:0007537, OMIM 130720.
Cerebral arteriopathy, autosomal dominant, with subcortical infarcts and leukoencephalopathy, type 1 (CADASIL1). Also called: CASIL; Cerebral arteriopathy with subcortical infarcts and leukoencephalopathy 1; DEMENTIA, HEREDITARY MULTIINFARCT TYPE; CADASIL 1. Identifiers: Orphanet 136, MedGen C4551768, MONDO:0000914, OMIM 125310.

Allele frequency attached by ClinVar (database versions not stated): gnomAD exomes 0.84776 and 0.87351; 1000 Genomes Project 0.85423; ExAC 0.85723; 1000 Genomes Project 30x 0.85759; TOPMed 0.86471; gnomAD 0.87036 and 0.87325; ESP Exome Variant Server 0.88905.
gnomAD v4.1: 1,408,350 of 1,613,816 alleles (87%); highest among the groups gnomAD compares: African/African-American, 91%; 615,930 homozygotes.

Submissions (12):

Labcorp Genetics (formerly Invitae), Labcorp
Classification: Benign. Last evaluated: 2026-02-03. Review status: criteria provided, single submitter. Criteria: Invitae Variant Classification Sherloc (09022015). Collection method: clinical testing. Allele origin: germline.

Blueprint Genetics
Classification: Benign. Last evaluated: 2024-11-28. Review status: criteria provided, single submitter. Criteria: ACMG Guidelines, 2015. Collection method: clinical testing. Allele origin: germline.

Genome-Nilou Lab
Classification: Benign for Cerebral arteriopathy, autosomal dominant, with subcortical infarcts and leukoencephalopathy, type 1. Last evaluated: 2021-09-05. Review status: criteria provided, single submitter. Criteria: ACMG Guidelines, 2015. Collection method: clinical testing. Allele origin: germline. Affected: no.

Genome-Nilou Lab
Classification: Benign for Lateral meningocele syndrome. Last evaluated: 2021-09-05. Review status: criteria provided, single submitter. Criteria: ACMG Guidelines, 2015. Collection method: clinical testing. Allele origin: germline. Affected: no.

ARUP Laboratories, Molecular Genetics and Genomics, ARUP Laboratories
Classification: Benign. Last evaluated: 2021-01-14. Review status: criteria provided, single submitter. Criteria: ARUP Molecular Germline Variant Investigation Process 2021. Collection method: clinical testing. Allele origin: germline.

GeneDx
Classification: Benign. Last evaluated: 2019-05-23. Review status: criteria provided, single submitter. Criteria: GeneDx Variant Classification Process June 2021. Collection method: clinical testing. Allele origin: germline. Affected: yes.
Comment: This variant is associated with the following publications: (PMID: 19006080)

Illumina Laboratory Services, Illumina
Classification: Benign for Cerebral arteriopathy, autosomal dominant, with subcortical infarcts and leukoencephalopathy, type 1. Last evaluated: 2018-01-12. Review status: criteria provided, single submitter. Criteria: ICSL Variant Classification Criteria 13 December 2019. Collection method: clinical testing. Allele origin: germline.
Comment: This variant was observed in the ICSL laboratory as part of a predisposition screen in an ostensibly healthy population. It had not been previously curated by ICSL or reported in the Human Gene Mutation Database (HGMD: prior to June 1st, 2018), and was therefore a candidate for classification through an automated scoring system. Utilizing variant allele frequency, disease prevalence and penetrance estimates, and inheritance mode, an automated score was calculated to assess if this variant is too frequent to cause the disease. Based on the score and internal cut-off values, a variant classified as benign is not then subjected to further curation. The score for this variant resulted in a classification of benign for this disease.

Breakthrough Genomics
Classification: Benign. Review status: criteria provided, single submitter. Criteria: ACMG Guidelines, 2015. Collection method: not provided. Allele origin: germline. Inheritance: Autosomal dominant inheritance. Affected: yes.

PreventionGenetics, part of Exact Sciences
Classification: Benign. Review status: criteria provided, single submitter. Criteria: ACMG Guidelines, 2015. Collection method: clinical testing. Allele origin: germline.

Clinical Genetics DNA and cytogenetics Diagnostics Lab, Erasmus MC, Erasmus Medical Center
Classification: Benign. Review status: no assertion criteria provided. Collection method: clinical testing. Allele origin: germline. Affected: yes. Study: VKGL Data-share Consensus. Not counted in ClinVar's aggregate classification.

Diagnostic Laboratory, Department of Genetics, University Medical Center Groningen
Classification: Benign. Review status: no assertion criteria provided. Collection method: clinical testing. Allele origin: germline. Affected: yes. Study: VKGL Data-share Consensus. Not counted in ClinVar's aggregate classification.

Genome Diagnostics Laboratory, Amsterdam University Medical Center
Classification: Benign. Review status: no assertion criteria provided. Collection method: clinical testing. Allele origin: germline. Affected: yes. Study: VKGL Data-share Consensus. Not counted in ClinVar's aggregate classification.